The following is an entry in ClinVar:

ClinVar aggregate classification (germline): Uncertain significance (1 of 4 stars; one submission).

Allele frequency attached by ClinVar (database versions not stated): gnomAD 0.00001.
gnomAD v4.1: 1 of 1,612,088 alleles (0.000062%); highest among the groups gnomAD compares: South Asian, 0.0011%; no homozygotes.

Submission:

Labcorp Genetics (formerly Invitae), Labcorp
Classification: Uncertain significance. Last evaluated: 2022-03-25. Review status: criteria provided, single submitter. Criteria: Invitae Variant Classification Sherloc (09022015). Collection method: clinical testing. Allele origin: germline.
Comment: In summary, the available evidence is currently insufficient to determine the role of this variant in disease. Therefore, it has been classified as a Variant of Uncertain Significance. Advanced modeling of protein sequence and biophysical properties (such as structural, functional, and spatial information, amino acid conservation, physicochemical variation, residue mobility, and thermodynamic stability) performed at Invitae indicates that this missense variant is expected to disrupt OPA1 protein function. This variant has not been reported in the literature in individuals affected with OPA1-related conditions. This variant is not present in population databases (gnomAD no frequency). This sequence change replaces isoleucine, which is neutral and non-polar, with threonine, which is neutral and polar, at codon 485 of the OPA1 protein (p.Ile485Thr).

NM_130837.3(OPA1):c.1619T>C (p.Ile540Thr)

Gene: OPA1 (OPA1 mitochondrial dynamin like GTPase; plus strand). Cytogenetic location: 3q29.
Variant type: single nucleotide variant.
Coding change: c.1619T>C on transcript NM_130837.3 (MANE Select); coding-DNA position 1619, T replaced by C.
Protein change: p.Ile540Thr; replaces isoleucine 540 with threonine.
Molecular consequence: missense variant.
Genome position (GRCh38, 1-based): chr3:193,645,563, T>C. VCF-style: chr3-193645563-T-C. GRCh37 (hg19) VCF-style: chr3-193363352-T-C.
Other names: c.1508T>C, p.Ile503Thr (NM_130834.3); c.1511T>C, p.Ile504Thr (NM_130835.3); c.1565T>C, p.Ile522Thr (NM_130836.3); c.1085T>C, p.Ile362Thr (NM_001354663.2); c.1082T>C, p.Ile361Thr (NM_001354664.2); c.1454T>C, p.Ile485Thr (NM_015560.3); c.1346T>C, p.Ile449Thr (NM_130831.3); c.1400T>C, p.Ile467Thr (NM_130832.3); and 1 more; short protein forms I467T, I485T, I504T, I522T, I540T, I361T, I362T, I449T.
Identifiers: ClinVar variation 2116705 (VCV002116705.4), dbSNP rs1734452162, ClinGen allele CA355790013.
Genomic context (GRCh38, chr3:193,645,563, plus strand): 5'-AACTTATGTAAACTATATCTCACATTAATTTTTCCCACTTTTAAAAATAGATTCAGCAGA[T>C]AATTGAAGGAAAGCTCTTCCCAATGAAAGCTTTAGGTTATTTTGCTGTTGTAACAGGAAA-3'
Protein context (NP_570850.2, residues 530-550): NVASPSRIQQ[Ile540Thr]IEGKLFPMKA